The following is an entry in ClinVar:

ClinVar aggregate classification (germline): Uncertain significance (1 of 4 stars; one submission).

Conditions:
Hereditary cancer-predisposing syndrome. Also called: Neoplastic Syndromes, Hereditary; Tumor predisposition; Hereditary Cancer Syndrome; Hereditary neoplastic syndrome. Identifiers: Orphanet 140162, MedGen C0027672, MeSH D009386, MONDO:0015356.

Submission:

Ambry Genetics
Classification: Uncertain significance for Hereditary cancer-predisposing syndrome. Last evaluated: 2022-08-25. Review status: criteria provided, single submitter. Criteria: Ambry Variant Classification Scheme 2023. Collection method: clinical testing. Allele origin: germline.
Comment: The c.206_208dupCCC variant (also known as p.P69dup), located in coding exon 1 of the CDKN1B gene, results from an in-frame duplication of CCC at nucleotide positions 206 to 208. This results in the duplication of an extra proline residue at codon 69. This amino acid position is highly conserved in available vertebrate species. Since supporting evidence is limited at this time, the clinical significance of this alteration remains unclear.

NM_004064.5(CDKN1B):c.206_208dup (p.Pro69_Leu70insPro)

Gene: CDKN1B (cyclin dependent kinase inhibitor 1B; plus strand). Cytogenetic location: 12p13.1.
Variant type: Duplication.
Coding change: c.206_208dup on transcript NM_004064.5 (MANE Select); coding-DNA positions 206 to 208, 3 bases duplicated (CCC; older notation c.206_208dupCCC).
Protein change: p.Pro69_Leu70insPro.
Molecular consequence: inframe insertion.
Genome position (GRCh38, 1-based): chr12:12,718,045-12,718,047, CCC duplicated; duplicating any 3 consecutive bases within chr12:12,718,044-12,718,047 gives the same sequence; the c. name uses the placement nearest the transcript's 3' end. VCF-style (leftmost placement, unchanged base first): chr12-12718043-A-ACCC. GRCh37 (hg19) VCF-style: chr12-12870977-A-ACCC.
Identifiers: ClinVar variation 1785213 (VCV001785213.2), dbSNP rs2497404569, ClinGen allele CA2580085177.